The following is an entry in ClinVar:

ClinVar aggregate classification (germline): Uncertain significance (1 of 4 stars; one submission).

Conditions:
Hypertrophic cardiomyopathy. Also called: HYPERTROPHIC MYOCARDIOPATHY. Identifiers: Orphanet 217569, MedGen C0007194, MeSH D002312, MONDO:0005045, HP:0001639.

Submission:

Labcorp Genetics (formerly Invitae), Labcorp
Classification: Uncertain significance for Hypertrophic cardiomyopathy. Last evaluated: 2025-11-05. Review status: criteria provided, single submitter. Criteria: Invitae Variant Classification Sherloc (09022015). Collection method: clinical testing. Allele origin: germline.
Comment: This sequence change replaces methionine, which is neutral and non-polar, with isoleucine, which is neutral and non-polar, at codon 155 of the TNNI3 protein (p.Met155Ile). This variant is not present in population databases (gnomAD no frequency). This missense change has been observed in individual(s) with hypertrophic cardiomyopathy (PMID: 22429680). An algorithm developed to predict the effect of missense changes on protein structure and function (PolyPhen-2) suggests that this variant is likely to be disruptive. In summary, the available evidence is currently insufficient to determine the role of this variant in disease. Therefore, it has been classified as a Variant of Uncertain Significance.

Literature cited by the submitters: PubMed 22429680.

NM_000363.5(TNNI3):c.465G>T (p.Met155Ile)

Gene: TNNI3 (troponin I3, cardiac type; minus strand). Cytogenetic location: 19q13.42.
Variant type: single nucleotide variant.
Coding change: c.465G>T on transcript NM_000363.5 (MANE Select); coding-DNA position 465, G replaced by T.
Protein change: p.Met155Ile; replaces methionine 155 with isoleucine.
Molecular consequence: missense variant.
Genome position (GRCh38, 1-based): chr19:55,154,114, C>A on the plus strand (G>T on the coding strand, the complement: TNNI3 is on the minus strand). VCF-style: chr19-55154114-C-A. GRCh37 (hg19) VCF-style: chr19-55665482-C-A.
Other names: short protein forms M155I.
Identifiers: ClinVar variation 4730529 (VCV004730529.1).